The following is an entry in ClinVar:

ClinVar aggregate classification (germline): Likely benign (1 of 4 stars; one submission).

Allele frequency attached by ClinVar (database versions not stated): gnomAD exomes 0.00027; ExAC 0.00086; gnomAD 0.00289; TOPMed 0.00322; ESP Exome Variant Server 0.00331; 1000 Genomes Project 0.00359; 1000 Genomes Project 30x 0.00375.
gnomAD v4.1: 859 of 1,613,570 alleles (0.053%); highest among the groups gnomAD compares: African/African-American, 0.92%; 7 homozygotes.

Submission:

CeGaT Center for Human Genetics Tuebingen
Classification: Likely benign. Last evaluated: 2023-02-01. Review status: criteria provided, single submitter. Criteria: CeGaT Center For Human Genetics Tuebingen Variant Classification Criteria Version 2. Collection method: clinical testing. Allele origin: germline. Affected: yes. Observed: 1 variant allele.
Comment: ENSG00000279159: BS2; MTMR3: BP4, BS2

NM_021090.4(MTMR3):c.1510C>T (p.Leu504=)

Genes: HORMAD2-AS1 (HORMAD2 and MTMR3 antisense RNA 1; minus strand), MTMR3 (myotubularin related protein 3; plus strand). Cytogenetic location: 22q12.2.
Variant type: single nucleotide variant.
Coding change: c.1510C>T on transcript NM_021090.4 (MANE Select); coding-DNA position 1510, C replaced by T.
Protein change: p.Leu504=; no amino-acid change (leucine 504 retained).
Molecular consequence: synonymous variant.
Genome position (GRCh38, 1-based): chr22:30,016,534, C>T. VCF-style: chr22-30016534-C-T. GRCh37 (hg19) VCF-style: chr22-30412523-C-T.
Other names: c.1510C>T, p.Leu504= (NM_153050.3, NM_153051.3).
Identifiers: ClinVar variation 2653055 (VCV002653055.23), dbSNP rs115318940, ClinGen allele CA10177423.